The following is an entry in ClinVar:

NM_005993.5(TBCD):c.3461_3462del (p.Val1154fs)

Gene: TBCD (tubulin folding cofactor D). Cytogenetic location: 17q25.3.
Variant type: Microsatellite.
Coding change: c.3461_3462del on transcript NM_005993.5 (MANE Select); coding-DNA positions 3461 to 3462, 2 bases deleted.
Protein change: p.Val1154fs; shifts the reading frame from valine 1154.
Molecular consequence: frameshift variant.
Genome position: GRCh38 VCF-style: chr17-82939455-CTG-C. GRCh37 (hg19) VCF-style: chr17-80897331-CTG-C.
Other names: c.3408_3409TG[1], p.Val1137Alafs (NM_001411101.1); c.3378_3379TG[1], p.Val1127Alafs (NM_001411102.1); short protein forms V1154fs.
Identifiers: ClinVar variation 1967212 (VCV001967212.5), dbSNP rs2510917611, ClinGen allele CA2523940572.

ClinVar aggregate classification (germline): Pathogenic (1 of 4 stars; one submission).

Submission:

Labcorp Genetics (formerly Invitae), Labcorp
Classification: Pathogenic. Last evaluated: 2025-05-05. Review status: criteria provided, single submitter. Criteria: Invitae Variant Classification Sherloc (09022015). Collection method: clinical testing. Allele origin: germline.
Comment: This sequence change creates a premature translational stop signal (p.Val1154Alafs*3) in the TBCD gene. It is expected to result in an absent or disrupted protein product. Loss-of-function variants in TBCD are known to be pathogenic (PMID: 27666370, 27666374). This variant is not present in population databases (gnomAD no frequency). This variant has not been reported in the literature in individuals affected with TBCD-related conditions. For these reasons, this variant has been classified as Pathogenic.

Literature cited by the submitters: PubMed 27666370; PubMed 27666374.